The following is an entry in ClinVar:

ClinVar aggregate classification (germline): Uncertain significance. Review status: criteria provided, multiple submitters, no conflicts (2 of 4 stars). 2 submissions from 2 submitters: Uncertain significance (2). Last evaluated 2024-07-27.

Conditions:
Aortic aneurysm, familial thoracic 7 (AAT7). Also called: AORTIC DISSECTION, FAMILIAL, WITH OR WITHOUT AORTIC ANEURYSM. Identifiers: MedGen C3151077, MONDO:0013418, OMIM 613780.

Allele frequency attached by ClinVar (database versions not stated): gnomAD 0.00001 and 0.00003; gnomAD exomes 0.00001; TOPMed 0.00001; ExAC 0.00002; 1000 Genomes Project 30x 0.00016; 1000 Genomes Project 0.00020.
gnomAD v4.1: 15 of 1,614,212 alleles (0.00093%); highest among the groups gnomAD compares: South Asian, 0.0044%; no homozygotes.

Submissions (2):

Labcorp Genetics (formerly Invitae), Labcorp
Classification: Uncertain significance for Aortic aneurysm, familial thoracic 7. Last evaluated: 2024-07-27. Review status: criteria provided, single submitter. Criteria: Invitae Variant Classification Sherloc (09022015). Collection method: clinical testing. Allele origin: germline.
Comment: This sequence change replaces arginine, which is basic and polar, with glutamine, which is neutral and polar, at codon 1275 of the MYLK protein (p.Arg1275Gln). The frequency data for this variant in the population databases is considered unreliable, as metrics indicate poor data quality at this position in the gnomAD database. This variant has not been reported in the literature in individuals affected with MYLK-related conditions. ClinVar contains an entry for this variant (Variation ID: 409693). Advanced modeling of protein sequence and biophysical properties (such as structural, functional, and spatial information, amino acid conservation, physicochemical variation, residue mobility, and thermodynamic stability) performed at Invitae indicates that this missense variant is not expected to disrupt MYLK protein function with a negative predictive value of 80%. In summary, the available evidence is currently insufficient to determine the role of this variant in disease. Therefore, it has been classified as a Variant of Uncertain Significance.

GeneDx
Classification: Uncertain significance. Last evaluated: 2022-08-31. Review status: criteria provided, single submitter. Criteria: GeneDx Variant Classification Process June 2021. Collection method: clinical testing. Allele origin: germline. Affected: yes.
Comment: Has not been previously published as pathogenic or benign to our knowledge; Not observed at significant frequency in large population cohorts (gnomAD); In silico analysis supports that this missense variant does not alter protein structure/function

NM_053025.4(MYLK):c.3824G>A (p.Arg1275Gln)

Gene: MYLK (myosin light chain kinase; minus strand). Cytogenetic location: 3q21.1.
Variant type: single nucleotide variant.
Coding change: c.3824G>A on transcript NM_053025.4 (MANE Select); coding-DNA position 3824, G replaced by A.
Protein change: p.Arg1275Gln; replaces arginine 1275 with glutamine.
Molecular consequence: missense variant.
Genome position (GRCh38, 1-based): chr3:123,666,226, C>T on the plus strand (G>A on the coding strand, the complement: MYLK is on the minus strand). VCF-style: chr3-123666226-C-T. GRCh37 (hg19) VCF-style: chr3-123385073-C-T.
Other names: c.3296G>A, p.Arg1099Gln (NM_001321309.2); c.3617G>A, p.Arg1206Gln (NM_053026.4, NM_053028.4); c.3824G>A, p.Arg1275Gln (NM_053027.4); short protein forms R1275Q, R1099Q, R1206Q.
Identifiers: ClinVar variation 409693 (VCV000409693.14), dbSNP rs564792567, ClinGen allele CA070223.